The following is an entry in ClinVar:

NM_058216.3(RAD51C):c.415G>T (p.Ala139Ser)

Gene: RAD51C (RAD51 paralog C; plus strand). Cytogenetic location: 17q22.
Variant type: single nucleotide variant.
Coding change: c.415G>T on transcript NM_058216.3 (MANE Select); coding-DNA position 415, G replaced by T.
Protein change: p.Ala139Ser; replaces alanine 139 with serine.
Molecular consequence: missense variant.
Genome position (GRCh38, 1-based): chr17:58,696,703, G>T. VCF-style: chr17-58696703-G-T. GRCh37 (hg19) VCF-style: chr17-56774064-G-T.
Other names: c.415G>T (NM_058216.2); short protein forms A139S.
Identifiers: ClinVar variation 3228955 (VCV003228955.3), dbSNP rs2048021584, ClinGen allele CA400343802.

ClinVar aggregate classification (germline): Conflicting classifications of pathogenicity. Review status: criteria provided, conflicting classifications (1 of 4 stars). 2 submissions from 2 submitters: Uncertain significance (1); Benign (1). Last evaluated 2025-10-28.

Conditions:
RAD51C-related disorder. Also called: RAD51C-related disorders; RAD51C-related condition.
Hereditary cancer-predisposing syndrome. Also called: Tumor predisposition; Neoplastic Syndromes, Hereditary; Hereditary Cancer Syndrome; Hereditary neoplastic syndrome. Identifiers: Orphanet 140162, MedGen C0027672, MeSH D009386, MONDO:0015356.

Submissions (2):

Ambry Genetics
Classification: Benign for Hereditary cancer-predisposing syndrome. Last evaluated: 2025-10-28. Review status: criteria provided, single submitter. Criteria: Ambry Variant Classification Scheme 2023. Collection method: clinical testing. Allele origin: germline.

PreventionGenetics, part of Exact Sciences
Classification: Uncertain significance for RAD51C-related condition. Last evaluated: 2025-06-30. Review status: criteria provided, single submitter. Criteria: ACMG Guidelines, 2015. Collection method: clinical testing. Allele origin: germline.
Comment: The RAD51C c.415G>T variant is predicted to result in the amino acid substitution p.Ala139Ser. To our knowledge, this variant has not been reported in the literature or in a large population database (gnomAD), indicating this variant is rare. At this time, the clinical significance of this variant is uncertain due to the absence of conclusive functional and genetic evidence.